The following is an entry in ClinVar:

ClinVar aggregate classification (germline): Uncertain significance (1 of 4 stars; one submission).

Conditions:
Cardiovascular phenotype. Identifiers: MedGen CN230736.

Allele frequency attached by ClinVar (database versions not stated): gnomAD 0.00001; TOPMed 0.00001.
gnomAD v4.1: 1 of 1,607,362 alleles (0.000062%); highest among the groups gnomAD compares: Admixed American, 0.0017%; no homozygotes.

Submission:

Ambry Genetics
Classification: Uncertain significance for Cardiovascular phenotype. Last evaluated: 2023-11-02. Review status: criteria provided, single submitter. Criteria: Ambry Variant Classification Scheme 2023. Collection method: clinical testing. Allele origin: germline.
Comment: The p.E1793K variant (also known as c.5377G>A), located in coding exon 22 of the AKAP9 gene, results from a G to A substitution at nucleotide position 5377. The glutamic acid at codon 1793 is replaced by lysine, an amino acid with similar properties. This amino acid position is conserved. In addition, this alteration is predicted to be tolerated by in silico analysis. Since supporting evidence is limited at this time, the clinical significance of this alteration remains unclear.

NM_005751.5(AKAP9):c.5377G>A (p.Glu1793Lys)

Gene: AKAP9 (A-kinase anchoring protein 9; plus strand). Cytogenetic location: 7q21.2.
Variant type: single nucleotide variant.
Coding change: c.5377G>A on transcript NM_005751.5 (MANE Select); coding-DNA position 5377, G replaced by A.
Protein change: p.Glu1793Lys; replaces glutamic acid 1793 with lysine.
Molecular consequence: missense variant.
Genome position (GRCh38, 1-based): chr7:92,052,734, G>A. VCF-style: chr7-92052734-G-A. GRCh37 (hg19) VCF-style: chr7-91682048-G-A.
Other names: c.5377G>A, p.Glu1793Lys (NM_147185.3); short protein forms E1793K.
Identifiers: ClinVar variation 3225068 (VCV003225068.1), dbSNP rs1342889309, ClinGen allele CA368130934.
Genomic context (GRCh38, chr7:92,052,734, plus strand): 5'-AAAATTATGATTATTATAATTAATTTATGCCTTTAAAACACTGTTATTCTAGTTACAGAT[G>A]AATCCATTCCCTCTTATTCTGGAAGTGATATGCCAAGAAATGACATTAACATGTGGTCAA-3'
Protein context (NP_005742.4, residues 1783-1803): VHEEHTRVTD[Glu1793Lys]SIPSYSGSDM